The following is an entry in ClinVar:

NM_014754.3(PTDSS1):c.1029C>T (p.Thr343=)

Gene: PTDSS1 (phosphatidylserine synthase 1; plus strand). Cytogenetic location: 8q22.1.
Variant type: single nucleotide variant.
Coding change: c.1029C>T on transcript NM_014754.3 (MANE Select); coding-DNA position 1029, C replaced by T.
Protein change: p.Thr343=; no amino-acid change (threonine 343 retained).
Molecular consequence: synonymous variant.
Genome position (GRCh38, 1-based): chr8:96,309,578, C>T. VCF-style: chr8-96309578-C-T. GRCh37 (hg19) VCF-style: chr8-97321806-C-T.
Other names: c.591C>T, p.Thr197= (NM_001290225.2).
Identifiers: ClinVar variation 735635 (VCV000735635.11), dbSNP rs566938528, ClinGen allele CA4816716.

ClinVar aggregate classification (germline): Likely benign. Review status: criteria provided, single submitter (1 of 4 stars). 2 submissions from 2 submitters: Likely benign (1). 1 of the submissions does not count toward it. Last evaluated 2025-04-14.

Conditions:
PTDSS1-related disorder. Also called: PTDSS1-related condition.

Allele frequency attached by ClinVar (database versions not stated): ExAC 0.00005; gnomAD exomes 0.00007 and 0.00008; TOPMed 0.00014; 1000 Genomes Project 30x 0.00016; gnomAD 0.00019 and 0.00020; 1000 Genomes Project 0.00020.
gnomAD v4.1: 125 of 1,613,920 alleles (0.0077%); highest among the groups gnomAD compares: African/African-American, 0.04%; 1 homozygote.

Submissions (2):

Labcorp Genetics (formerly Invitae), Labcorp
Classification: Likely benign. Last evaluated: 2025-04-14. Review status: criteria provided, single submitter. Criteria: Invitae Variant Classification Sherloc (09022015). Collection method: clinical testing. Allele origin: germline.

PreventionGenetics, part of Exact Sciences
Classification: Likely benign for PTDSS1-related condition. Last evaluated: 2019-05-16. Review status: no assertion criteria provided. Collection method: clinical testing. Allele origin: germline. Not counted in ClinVar's aggregate classification.
Comment: This variant is classified as likely benign based on ACMG/AMP sequence variant interpretation guidelines (Richards et al. 2015 PMID: 25741868, with internal and published modifications).